The following is an entry in ClinVar:

ClinVar aggregate classification (germline): Uncertain significance (1 of 4 stars; one submission).

Conditions:
Cranioectodermal dysplasia 2 (CED2). Identifiers: Orphanet 1515, MedGen C3150874, MONDO:0013323, OMIM 613610.
Short-rib thoracic dysplasia 7 with or without polydactyly (SRTD7). Also called: Short rib polydactyly syndrome 5; SHORT-RIB THORACIC DYSPLASIA 7 WITH POLYDACTYLY. Identifiers: Orphanet 498497, Orphanet 93271, MedGen C3279792, MONDO:0013569, OMIM 614091.

Allele frequency attached by ClinVar (database versions not stated): gnomAD exomes 0.00001 and 0.00002; ExAC 0.00002.
gnomAD v4.1: 4 of 1,614,062 alleles (0.00025%); highest among the groups gnomAD compares: Non-Finnish European, 0.00034%; no homozygotes.

Submission:

Labcorp Genetics (formerly Invitae), Labcorp
Classification: Uncertain significance for Cranioectodermal dysplasia 2; Short-rib thoracic dysplasia 7 with or without polydactyly. Last evaluated: 2020-02-14. Review status: criteria provided, single submitter. Criteria: Invitae Variant Classification Sherloc (09022015). Collection method: clinical testing. Allele origin: germline.
Comment: This variant has not been reported in the literature in individuals with WDR35-related conditions. This sequence change replaces glutamine with arginine at codon 688 of the WDR35 protein (p.Gln688Arg). The glutamine residue is highly conserved and there is a small physicochemical difference between glutamine and arginine. This variant is present in population databases (rs771708013, ExAC 0.004%). Algorithms developed to predict the effect of missense changes on protein structure and function are either unavailable or do not agree on the potential impact of this missense change (SIFT: "Deleterious"; PolyPhen-2: "Benign"; Align-GVGD: "Class C0"). In summary, the available evidence is currently insufficient to determine the role of this variant in disease. Therefore, it has been classified as a Variant of Uncertain Significance.

NM_020779.4(WDR35):c.2030A>G (p.Gln677Arg)

Gene: WDR35 (WD repeat domain 35; minus strand). Cytogenetic location: 2p24.1.
Variant type: single nucleotide variant.
Coding change: c.2030A>G on transcript NM_020779.4 (MANE Select); coding-DNA position 2030, A replaced by G.
Protein change: p.Gln677Arg; replaces glutamine 677 with arginine.
Molecular consequence: missense variant.
Genome position (GRCh38, 1-based): chr2:19,938,298, T>C on the plus strand (A>G on the coding strand, the complement: WDR35 is on the minus strand). VCF-style: chr2-19938298-T-C. GRCh37 (hg19) VCF-style: chr2-20138059-T-C.
Other names: c.2063A>G, p.Gln688Arg (NM_001006657.2); short protein forms Q677R, Q688R.
Identifiers: ClinVar variation 1038744 (VCV001038744.8), dbSNP rs771708013, ClinGen allele CA1543060.